The following is an entry in ClinVar:

ClinVar aggregate classification (germline): Likely benign (1 of 4 stars; one submission).

Submission:

CeGaT Center for Human Genetics Tuebingen
Classification: Likely benign. Last evaluated: 2023-02-01. Review status: criteria provided, single submitter. Criteria: CeGaT Center For Human Genetics Tuebingen Variant Classification Criteria Version 2. Collection method: clinical testing. Allele origin: germline. Affected: yes. Observed: 1 variant allele.
Comment: KMT2C: PM2:Supporting, BP4, BP7

NM_170606.3(KMT2C):c.3570C>A (p.Leu1190=)

Gene: KMT2C (lysine methyltransferase 2C; minus strand). Cytogenetic location: 7q36.1.
Variant type: single nucleotide variant.
Coding change: c.3570C>A on transcript NM_170606.3 (MANE Select); coding-DNA position 3570, C replaced by A.
Protein change: p.Leu1190=; no amino-acid change (leucine 1190 retained).
Molecular consequence: synonymous variant.
Genome position (GRCh38, 1-based): chr7:152,220,665, G>T on the plus strand (C>A on the coding strand, the complement: KMT2C is on the minus strand). VCF-style: chr7-152220665-G-T. GRCh37 (hg19) VCF-style: chr7-151917750-G-T.
Identifiers: ClinVar variation 2658229 (VCV002658229.24), dbSNP rs1288507139, ClinGen allele CA458694480.